The following is an entry in ClinVar:

NM_014321.4(ORC6):c.*217C>T

Gene: ORC6 (origin recognition complex subunit 6; plus strand). Cytogenetic location: 16q11.2.
Variant type: single nucleotide variant.
Coding change: c.*217C>T on transcript NM_014321.4 (MANE Select); 217 bases downstream of the stop codon, C replaced by T.
Molecular consequence: 3 prime UTR variant. On other transcripts: non-coding transcript variant (1).
Genome position (GRCh38, 1-based): chr16:46,697,802, C>T. VCF-style: chr16-46697802-C-T. GRCh37 (hg19) VCF-style: chr16-46731714-C-T.
Identifiers: ClinVar variation 319306 (VCV000319306.5), dbSNP rs143138864, ClinGen allele CA8037510.

ClinVar aggregate classification (germline): Benign (1 of 4 stars; one submission).

Conditions:
Meier-Gorlin syndrome 3 (MGORS3). Identifiers: Orphanet 2554, MedGen C3151113, MONDO:0013430, OMIM 613803.

Allele frequency attached by ClinVar (database versions not stated): gnomAD exomes 0.00005 and 0.00099; gnomAD 0.00006 and 0.00019; TOPMed 0.00006; ExAC 0.00017; 1000 Genomes Project 30x 0.00062; 1000 Genomes Project 0.00080.
gnomAD v4.1: 495 of 648,490 alleles (0.076%); highest among the groups gnomAD compares: East Asian, 1.5%; 10 homozygotes.

Submission:

Illumina Laboratory Services, Illumina
Classification: Benign for Meier-Gorlin syndrome 3. Last evaluated: 2018-01-13. Review status: criteria provided, single submitter. Criteria: ICSL Variant Classification Criteria 13 December 2019. Collection method: clinical testing. Allele origin: germline.
Comment: This variant was observed in the ICSL laboratory as part of a predisposition screen in an ostensibly healthy population. It had not been previously curated by ICSL or reported in the Human Gene Mutation Database (HGMD: prior to June 1st, 2018), and was therefore a candidate for classification through an automated scoring system. Utilizing variant allele frequency, disease prevalence and penetrance estimates, and inheritance mode, an automated score was calculated to assess if this variant is too frequent to cause the disease. Based on the score and internal cut-off values, a variant classified as benign is not then subjected to further curation. The score for this variant resulted in a classification of benign for this disease.